The following is an entry in ClinVar:

NM_001572.5(IRF7):c.224G>C (p.Arg75Thr)

Gene: IRF7 (interferon regulatory factor 7; minus strand). Cytogenetic location: 11p15.5.
Variant type: single nucleotide variant.
Coding change: c.224G>C on transcript NM_001572.5 (MANE Select); coding-DNA position 224, G replaced by C.
Protein change: p.Arg75Thr; replaces arginine 75 with threonine.
Molecular consequence: missense variant.
Genome position (GRCh38, 1-based): chr11:614,967, C>G on the plus strand (G>C on the coding strand, the complement: IRF7 is on the minus strand). VCF-style: chr11-614967-C-G. GRCh37 (hg19) VCF-style: chr11-614967-C-G.
Other names: c.224G>C, p.Arg75Thr (NM_004029.4); c.263G>C, p.Arg88Thr (NM_004031.4); short protein forms R88T, R75T.
Identifiers: ClinVar variation 2140703 (VCV002140703.4), dbSNP rs779855922, ClinGen allele CA5784036.

ClinVar aggregate classification (germline): Uncertain significance (1 of 4 stars; one submission).

Conditions:
Immunodeficiency 39 (IMD39). Identifiers: Orphanet 574918, MedGen C4225358, MONDO:0014597, OMIM 616345.

Allele frequency attached by ClinVar (database versions not stated): gnomAD exomes below 0.00001; gnomAD 0.00001; ExAC 0.00002.
gnomAD v4.1: 6 of 1,557,398 alleles (0.00039%); highest among the groups gnomAD compares: East Asian, 0.011%; no homozygotes.

Submission:

Labcorp Genetics (formerly Invitae), Labcorp
Classification: Uncertain significance for Immunodeficiency 39. Last evaluated: 2025-02-07. Review status: criteria provided, single submitter. Criteria: Invitae Variant Classification Sherloc (09022015). Collection method: clinical testing. Allele origin: germline.
Comment: This sequence change replaces arginine, which is basic and polar, with threonine, which is neutral and polar, at codon 88 of the IRF7 protein (p.Arg88Thr). This variant is present in population databases (rs779855922, gnomAD 0.02%). This variant has not been reported in the literature in individuals affected with IRF7-related conditions. ClinVar contains an entry for this variant (Variation ID: 2140703). An algorithm developed to predict the effect of missense changes on protein structure and function (PolyPhen-2) suggests that this variant is likely to be tolerated. In summary, the available evidence is currently insufficient to determine the role of this variant in disease. Therefore, it has been classified as a Variant of Uncertain Significance.